The following is an entry in ClinVar:

NM_145166.4(ZBTB47):c.1187C>A (p.Ala396Asp)

Gene: ZBTB47 (zinc finger and BTB domain containing 47; plus strand). Cytogenetic location: 3p22.1.
Variant type: single nucleotide variant.
Coding change: c.1187C>A on transcript NM_145166.4 (MANE Select); coding-DNA position 1187, C replaced by A.
Protein change: p.Ala396Asp; replaces alanine 396 with aspartic acid.
Molecular consequence: missense variant.
Genome position (GRCh38, 1-based): chr3:42,659,542, C>A. VCF-style: chr3-42659542-C-A. GRCh37 (hg19) VCF-style: chr3-42701034-C-A.
Other names: c.1271C>A, p.Ala424Asp (NM_001410746.1); short protein forms A424D, A396D.
Identifiers: ClinVar variation 5009598 (VCV005009598.1).

ClinVar aggregate classification (germline): Uncertain significance (1 of 4 stars; one submission).

Submission:

GeneDx
Classification: Uncertain significance. Last evaluated: 2026-03-21. Review status: criteria provided, single submitter. Criteria: GeneDx Variant Classification Process June 2021. Collection method: clinical testing. Allele origin: germline.
Comment: Not observed at significant frequency in large population cohorts (gnomAD); In silico analysis suggests that this missense variant does not alter protein structure/function; Has not been previously published as pathogenic or benign to our knowledge